The following is an entry in ClinVar:

NM_058216.3(RAD51C):c.586T>C (p.Leu196=)

Gene: RAD51C (RAD51 paralog C; plus strand). Cytogenetic location: 17q22.
Variant type: single nucleotide variant.
Coding change: c.586T>C on transcript NM_058216.3 (MANE Select); coding-DNA position 586, T replaced by C.
Protein change: p.Leu196=; no amino-acid change (leucine 196 retained).
Molecular consequence: synonymous variant. On other transcripts: non-coding transcript variant (1).
Genome position (GRCh38, 1-based): chr17:58,703,210, T>C. VCF-style: chr17-58703210-T-C. GRCh37 (hg19) VCF-style: chr17-56780571-T-C.
Other names: c.586T>C (NM_058216.1).
Identifiers: ClinVar variation 1098900 (VCV001098900.3), dbSNP rs2143796827, ClinGen allele CA501075194.
Genomic context (GRCh38, chr17:58,703,210, plus strand): 5'-TACATCCAAACAGGTAAAACTAATTAAGAGTGTTTTGTTGTTTCAGAACACCGAAAAGCT[T>C]TGGAGGATTTCACTCTTGATAATATTCTTTCTCATATTTATTATTTTCGCTGTCGTGACT-3'
Protein context (NP_478123.1, residues 186-206): KHKGEEHRKA[Leu196=]EDFTLDNILS

ClinVar aggregate classification (germline): Benign/Likely benign. Review status: criteria provided, multiple submitters, no conflicts (2 of 4 stars). 3 submissions from 3 submitters: Benign (1); Likely benign (2). Last evaluated 2025-02-18.

Conditions:
Hereditary cancer-predisposing syndrome. Also called: Tumor predisposition; Hereditary neoplastic syndrome; Hereditary Cancer Syndrome; Neoplastic Syndromes, Hereditary. Identifiers: Orphanet 140162, MedGen C0027672, MeSH D009386, MONDO:0015356.
Breast-ovarian cancer, familial, susceptibility to, 3. Also called: RAD51C-Related Breast/Ovarian Cancer. Identifiers: Orphanet 145, MedGen C3150659, MONDO:0013253, OMIM 613399.

Allele frequency attached by ClinVar (database versions not stated): gnomAD exomes below 0.00001.

Submissions (3):

Myriad Genetics, Inc.
Classification: Benign for Breast-ovarian cancer, familial, susceptibility to, 3. Last evaluated: 2025-02-18. Review status: criteria provided, single submitter. Criteria: Myriad Autosomal Dominant, Autosomal Recessive and X-Linked Classification Criteria (2023). Collection method: clinical testing. Allele origin: unknown.
Comment: This variant is considered benign. This variant is a silent/synonymous amino acid change and it is not expected to impact splicing.

Ambry Genetics
Classification: Likely benign for Hereditary cancer-predisposing syndrome. Last evaluated: 2025-01-25. Review status: criteria provided, single submitter. Criteria: Ambry Variant Classification Scheme 2023. Collection method: clinical testing. Allele origin: germline.

Hereditary Cancer Group, L’Institut d'Investigació Biomèdica de Bellvitge
Classification: Likely benign for Breast-ovarian cancer, familial, susceptibility to, 3. Last evaluated: 2021-05-03. Review status: criteria provided, single submitter. Criteria: ACMG Guidelines, 2015. Collection method: curation. Allele origin: germline.

Literature cited by the submitters: PubMed 21537932 (cited by Hereditary Cancer Group, L’Institut d'Investigació Biomèdica de Bellvitge).